The following is an entry in ClinVar:

NM_001256071.3(RNF213):c.8973T>G (p.Asp2991Glu)

Gene: RNF213 (ring finger protein 213; plus strand). Cytogenetic location: 17q25.3.
Variant type: single nucleotide variant.
Coding change: c.8973T>G on transcript NM_001256071.3 (MANE Select); coding-DNA position 8973, T replaced by G.
Protein change: p.Asp2991Glu; replaces aspartic acid 2991 with glutamic acid.
Molecular consequence: missense variant.
Genome position (GRCh38, 1-based): chr17:80,347,308, T>G. VCF-style: chr17-80347308-T-G. GRCh37 (hg19) VCF-style: chr17-78321108-T-G.
Other names: c.9120T>G, p.Asp3040Glu (NM_001410195.1, NM_020914.5); short protein forms D2991E, D3040E.
Identifiers: ClinVar variation 4978385 (VCV004978385.1).

ClinVar aggregate classification (germline): Uncertain significance (1 of 4 stars; one submission).

Conditions:
RNF213-related disorder. Also called: RNF213-related condition.

gnomAD v4.1: 659 of 1,613,926 alleles (0.041%); highest among the groups gnomAD compares: Non-Finnish European, 0.052%; 1 homozygote.

Submission:

PreventionGenetics, part of Exact Sciences
Classification: Uncertain significance for RNF213-related condition. Last evaluated: 2026-07-16. Review status: criteria provided, single submitter. Criteria: ACMG Guidelines, 2015. Collection method: clinical testing. Allele origin: germline.
Comment: The RNF213 c.8973T>G variant is predicted to result in the amino acid substitution p.Asp2991Glu. To our knowledge, this variant has not been reported in the literature. This variant is reported in 0.046% of alleles in individuals of European (Non-Finnish) descent in gnomAD. At this time, the clinical significance of this variant is uncertain due to the absence of conclusive functional and genetic evidence.